The following is an entry in ClinVar:

NM_015450.3(POT1):c.1734C>G (p.Asp578Glu)

Gene: POT1 (protection of telomeres 1; minus strand). Cytogenetic location: 7q31.33.
Variant type: single nucleotide variant.
Coding change: c.1734C>G on transcript NM_015450.3 (MANE Select); coding-DNA position 1734, C replaced by G.
Protein change: p.Asp578Glu; replaces aspartic acid 578 with glutamic acid.
Molecular consequence: missense variant. On other transcripts: non-coding transcript variant (3).
Genome position (GRCh38, 1-based): chr7:124,825,310, G>C on the plus strand (C>G on the coding strand, the complement: POT1 is on the minus strand). VCF-style: chr7-124825310-G-C. GRCh37 (hg19) VCF-style: chr7-124465364-G-C.
Other names: c.1341C>G, p.Asp447Glu (NM_001042594.2); short protein forms D447E, D578E.
Identifiers: ClinVar variation 819966 (VCV000819966.13), dbSNP rs1584746419, ClinGen allele CA369062363.

ClinVar aggregate classification (germline): Uncertain significance. Review status: criteria provided, multiple submitters, no conflicts (2 of 4 stars). 2 submissions from 2 submitters: Uncertain significance (2). Last evaluated 2025-07-09.

Conditions:
Hereditary cancer-predisposing syndrome. Also called: Tumor predisposition; Hereditary Cancer Syndrome; Hereditary neoplastic syndrome; Neoplastic Syndromes, Hereditary. Identifiers: Orphanet 140162, MedGen C0027672, MeSH D009386, MONDO:0015356.
Tumor predisposition syndrome 3 (TPDS3). Also called: Glioma susceptibility 9; LONG TELOMERE SYNDROME, POT1-RELATED; POT1 Tumor Predisposition; Melanoma, cutaneous malignant, susceptibility to, 10. Identifiers: Orphanet 618, MedGen C4014476, MONDO:0014368, OMIM 615848.

Allele frequency attached by ClinVar (database versions not stated): TOPMed 0.00001.
gnomAD v4.1: 1 of 1,610,444 alleles (0.000062%); highest among the groups gnomAD compares: Non-Finnish European, 0.000085%; no homozygotes.

Submissions (2):

Labcorp Genetics (formerly Invitae), Labcorp
Classification: Uncertain significance for Tumor predisposition syndrome 3. Last evaluated: 2025-07-09. Review status: criteria provided, single submitter. Criteria: Invitae Variant Classification Sherloc (09022015). Collection method: clinical testing. Allele origin: germline.
Comment: This sequence change replaces aspartic acid, which is acidic and polar, with glutamic acid, which is acidic and polar, at codon 578 of the POT1 protein (p.Asp578Glu). This variant is not present in population databases (gnomAD no frequency). This variant has not been reported in the literature in individuals affected with POT1-related conditions. ClinVar contains an entry for this variant (Variation ID: 819966). Invitae Evidence Modeling of protein sequence and biophysical properties (such as structural, functional, and spatial information, amino acid conservation, physicochemical variation, residue mobility, and thermodynamic stability) indicates that this missense variant is not expected to disrupt POT1 protein function with a negative predictive value of 80%. In summary, the available evidence is currently insufficient to determine the role of this variant in disease. Therefore, it has been classified as a Variant of Uncertain Significance.

Ambry Genetics
Classification: Uncertain significance for Hereditary cancer-predisposing syndrome. Last evaluated: 2024-10-13. Review status: criteria provided, single submitter. Criteria: Ambry Variant Classification Scheme 2023. Collection method: clinical testing. Allele origin: germline.
Comment: The p.D578E variant (also known as c.1734C>G), located in coding exon 14 of the POT1 gene, results from a C to G substitution at nucleotide position 1734. The aspartic acid at codon 578 is replaced by glutamic acid, an amino acid with highly similar properties. This amino acid position is not well conserved in available vertebrate species. In addition, this alteration is predicted to be tolerated by in silico analysis. Since supporting evidence is limited at this time, the clinical significance of this alteration remains unclear.